The following is an entry in ClinVar:

ClinVar aggregate classification (germline): Uncertain significance (1 of 4 stars; one submission).

Conditions:
Hereditary cancer-predisposing syndrome. Also called: Neoplastic Syndromes, Hereditary; Tumor predisposition; Hereditary Cancer Syndrome; Hereditary neoplastic syndrome. Identifiers: Orphanet 140162, MedGen C0027672, MeSH D009386, MONDO:0015356.

Submission:

Color Diagnostics, LLC DBA Color Health
Classification: Uncertain significance for Hereditary cancer-predisposing syndrome. Last evaluated: 2020-09-28. Review status: criteria provided, single submitter. Criteria: ACMG Guidelines, 2015. Collection method: clinical testing. Allele origin: germline.
Comment: This variant causes a C to G nucleotide substitution at the -13 position of intron 38 of the ATM gene. To our knowledge, functional studies have not been reported for this variant. This variant has not been reported in individuals affected with hereditary cancer in the literature. This variant has not been identified in the general population by the Genome Aggregation Database (gnomAD). The available evidence is insufficient to determine the role of this variant in disease conclusively. Therefore, this variant is classified as a Variant of Uncertain Significance.

NM_000051.4(ATM):c.5763-13C>G

Genes: ATM (ATM serine/threonine kinase; plus strand), C11orf65 (chromosome 11 open reading frame 65; minus strand). Cytogenetic location: 11q22.3.
Variant type: single nucleotide variant.
Coding change: c.5763-13C>G on transcript NM_000051.4 (MANE Select); 13 bases into the intron before coding-DNA position 5763, C replaced by G.
Molecular consequence: intron variant.
Genome position (GRCh38, 1-based): chr11:108,310,147, C>G. VCF-style: chr11-108310147-C-G. GRCh37 (hg19) VCF-style: chr11-108180874-C-G.
Other names: c.5763-13C>G (NM_001351834.2); c.641-1076G>C (NM_001330368.2); c.*39-1076G>C (NM_001351110.2).
Identifiers: ClinVar variation 1172380 (VCV001172380.4), dbSNP rs1057522554, ClinGen allele CA2499220665.